The following is an entry in ClinVar:

NM_022051.3(EGLN1):c.1217G>A (p.Gly406Asp)

Gene: EGLN1 (egl-9 family hypoxia inducible factor 1; minus strand). Cytogenetic location: 1q42.2.
Variant type: single nucleotide variant.
Coding change: c.1217G>A on transcript NM_022051.3 (MANE Select); coding-DNA position 1217, G replaced by A.
Protein change: p.Gly406Asp; replaces glycine 406 with aspartic acid.
Molecular consequence: missense variant. On other transcripts: synonymous variant (1), 3 prime UTR variant (1).
Genome position (GRCh38, 1-based): chr1:231,366,475, C>T on the plus strand (G>A on the coding strand, the complement: EGLN1 is on the minus strand). VCF-style: chr1-231366475-C-T. GRCh37 (hg19) VCF-style: chr1-231502221-C-T.
Other names: c.1149G>A, p.Arg383= (NM_001377260.1); c.*42G>A (NM_001377261.1); short protein forms G406D.
Identifiers: ClinVar variation 3507192 (VCV003507192.1).

ClinVar aggregate classification (germline): Uncertain significance (1 of 4 stars; one submission).

Submission:

Ambry Genetics
Classification: Uncertain significance. Last evaluated: 2024-10-25. Review status: criteria provided, single submitter. Criteria: Ambry Variant Classification Scheme 2023. Collection method: clinical testing. Allele origin: germline.
Comment: The p.G406D variant (also known as c.1217G>A) is located in coding exon 5 of the EGLN1 gene. The glycine at codon 406 is replaced by aspartic acid, an amino acid with similar properties. This change occurs in the first base pair of coding exon 5. This amino acid position is conserved. In addition, the in silico prediction for this alteration is inconclusive. Based on the available evidence, the clinical significance of this variant remains unclear.